The following is an entry in ClinVar:

ClinVar aggregate classification (germline): Likely pathogenic (1 of 4 stars; one submission).

Conditions:
Ataxia-telangiectasia syndrome (AT). Also called: Ataxia-telangiectasia, complementation group D; AT, COMPLEMENTATION GROUP C; ATAXIA-TELANGIECTASIA, COMPLEMENTATION GROUP A; ATAXIA-TELANGIECTASIA, FRESNO VARIANT; Ataxia-telangiectasia; Ataxia telangiectasia (A-T). Identifiers: Orphanet 100, MedGen C0004135, MONDO:0008840, OMIM 208900.

Submission:

Labcorp Genetics (formerly Invitae), Labcorp
Classification: Likely pathogenic for Ataxia-telangiectasia syndrome. Last evaluated: 2025-04-16. Review status: criteria provided, single submitter. Criteria: Invitae Variant Classification Sherloc (09022015). Collection method: clinical testing. Allele origin: germline.
Comment: This variant results in the deletion of part of exon 59 (c.8668_8671+9del) of the ATM gene. It is expected to disrupt RNA splicing. Variants that disrupt the donor or acceptor splice site typically lead to a loss of protein function (PMID: 16199547), and loss-of-function variants in ATM are known to be pathogenic (PMID: 23807571, 25614872). This variant is not present in population databases (gnomAD no frequency). This variant has not been reported in the literature in individuals affected with ATM-related conditions. ClinVar contains an entry for this variant (Variation ID: 960240). In summary, the currently available evidence indicates that the variant is pathogenic, but additional data are needed to prove that conclusively. Therefore, this variant has been classified as Likely Pathogenic.

Literature cited by the submitters: PubMed 16199547; PubMed 23807571; PubMed 25614872.

NM_000051.4(ATM):c.8668_8671+9del

Genes: ATM (ATM serine/threonine kinase; plus strand), C11orf65 (chromosome 11 open reading frame 65; minus strand). Cytogenetic location: 11q22.3.
Variant type: Deletion.
Coding change: c.8668_8671+9del on transcript NM_000051.4 (MANE Select); coding-DNA position 8668 through 9 bases into the intron after coding-DNA position 8671, 13 bases deleted (CTAGGTAAGTAAT).
Molecular consequence: splice donor variant. On other transcripts: intron variant (2).
Genome position (GRCh38, 1-based): chr11:108,347,362-108,347,374, CTAGGTAAGTAAT deleted; deleting any 13 consecutive bases within chr11:108,347,360-108,347,374 gives the same sequence; the c. name uses the placement nearest the transcript's 3' end. VCF-style (leftmost placement, unchanged base first): chr11-108347359-GATCTAGGTAAGTA-G. GRCh37 (hg19) VCF-style: chr11-108218086-GATCTAGGTAAGTA-G.
Other names: c.8668_8671+9del (NM_001351834.2); c.641-38301_641-38289del (NM_001330368.2); c.695-12080_695-12068del (NM_001351110.2).
Identifiers: ClinVar variation 960240 (VCV000960240.9), dbSNP rs2088564736, ClinGen allele CA1139662203.